The following is an entry in ClinVar:

ClinVar aggregate classification (germline): Uncertain significance (1 of 4 stars; one submission).

Submission:

GeneDx
Classification: Uncertain significance. Last evaluated: 2026-03-30. Review status: criteria provided, single submitter. Criteria: GeneDx Variant Classification Process June 2021. Collection method: clinical testing. Allele origin: germline.
Comment: Not observed at significant frequency in large population cohorts (gnomAD); In silico analysis supports that this missense variant has a deleterious effect on protein structure/function; Has not been previously published as pathogenic or benign to our knowledge

NM_001797.4(CDH11):c.802T>G (p.Phe268Val)

Gene: CDH11 (cadherin 11; minus strand). Cytogenetic location: 16q21.
Variant type: single nucleotide variant.
Coding change: c.802T>G on transcript NM_001797.4 (MANE Select); coding-DNA position 802, T replaced by G.
Protein change: p.Phe268Val; replaces phenylalanine 268 with valine.
Molecular consequence: missense variant.
Genome position (GRCh38, 1-based): chr16:64,991,777, A>C on the plus strand (T>G on the coding strand, the complement: CDH11 is on the minus strand). VCF-style: chr16-64991777-A-C. GRCh37 (hg19) VCF-style: chr16-65025680-A-C.
Other names: c.802T>G, p.Phe268Val (NM_001308392.2); c.424T>G, p.Phe142Val (NM_001330576.2); short protein forms F142V, F268V.
Identifiers: ClinVar variation 3906551 (VCV003906551.2).
Genomic context (GRCh38, chr16:64,991,777, plus strand): 5'-AGAGCTGGCTGTGTCACCATGGAAAAGTGAAAGCCAAGTCCACCTACTTACTCTGCGGAA[A>C]CTTTGGTGGGTTGTCATTGACATCGGTCAGTGTGATCGTCACTTTGGTTGTCCCTGAGAG-3'
Protein context (NP_001788.2, residues 258-278): LTDVNDNPPK[Phe268Val]PQSVYQMSVS